The following is an entry in ClinVar:

NM_003235.5(TG):c.6565A>G (p.Ile2189Val)

Gene: TG (thyroglobulin; plus strand). Cytogenetic location: 8q24.22.
Variant type: single nucleotide variant.
Coding change: c.6565A>G on transcript NM_003235.5 (MANE Select); coding-DNA position 6565, A replaced by G.
Protein change: p.Ile2189Val; replaces isoleucine 2189 with valine.
Molecular consequence: missense variant.
Genome position (GRCh38, 1-based): chr8:133,017,780, A>G. VCF-style: chr8-133017780-A-G. GRCh37 (hg19) VCF-style: chr8-134030025-A-G.
Other names: short protein forms I2189V.
Identifiers: ClinVar variation 785808 (VCV000785808.11), dbSNP rs140792871, ClinGen allele CA4884978.

ClinVar aggregate classification (germline): Conflicting classifications of pathogenicity. Review status: criteria provided, conflicting classifications (1 of 4 stars). 3 submissions from 3 submitters: Uncertain significance (1); Likely benign (2). Last evaluated 2026-01-27.

Allele frequency attached by ClinVar (database versions not stated): gnomAD 0.00004 and 0.00009; gnomAD exomes 0.00005 and 0.00010; TOPMed 0.00006; ExAC 0.00016; ESP Exome Variant Server 0.00023.
gnomAD v4.1: 96 of 1,614,068 alleles (0.0059%); highest among the groups gnomAD compares: Middle Eastern, 0.15%; 1 homozygote.

Submissions (3):

Women's Health and Genetics/Laboratory Corporation of America, LabCorp
Classification: Uncertain significance. Last evaluated: 2026-01-27. Review status: criteria provided, single submitter. Criteria: LabCorp Variant Classification Summary - May 2015. Collection method: clinical testing. Allele origin: germline.
Comment: Variant summary: TG c.6565A>G (p.Ile2189Val) results in a conservative amino acid change in the encoded protein sequence. Algorithms developed to predict the effect of missense changes on protein structure and function all suggest that this variant is likely to be tolerated. Consensus agreement among computation tools predict no significant impact on normal splicing. However, these predictions have yet to be confirmed by functional studies. The variant allele was found at a frequency of 9.6e-05 in 251020 control chromosomes, predominantly at a frequency of 0.00016 within the Non-Finnish European subpopulation in the gnomAD database, including 1 homozygote. This frequency is not significantly higher than estimated for disease-causing variants in TG, allowing no conclusion about variant significance. c.6565A>G has been reported in the literature in unspecified individual(s), without primary information from a cohort of patients with congenital hypothyroidism (deFilippis_2017). These report(s) do not provide unequivocal conclusions about association of the variant with TG-Related Disorders. To our knowledge, no experimental evidence demonstrating an impact on protein function has been reported. The following publication has been ascertained in the context of this evaluation (PMID: 28444304). ClinVar contains an entry for this variant (Variation ID: 785808). Based on the evidence outlined above, the variant was classified as uncertain significance.

Labcorp Genetics (formerly Invitae), Labcorp
Classification: Likely benign. Last evaluated: 2024-02-22. Review status: criteria provided, single submitter. Criteria: Invitae Variant Classification Sherloc (09022015). Collection method: clinical testing. Allele origin: germline.

Breakthrough Genomics
Classification: Likely benign. Review status: criteria provided, single submitter. Criteria: ACMG Guidelines, 2015. Collection method: not provided. Allele origin: germline. Inheritance: Autosomal recessive inheritance. Affected: yes.

Literature cited by the submitters: PubMed 28444304 (cited by Women's Health and Genetics/Laboratory Corporation of America, LabCorp).